The following is an entry in ClinVar:

NM_004006.3(DMD):c.2222T>C (p.Val741Ala)

Gene: DMD (dystrophin; minus strand). Cytogenetic location: Xp21.1.
Variant type: single nucleotide variant.
Coding change: c.2222T>C on transcript NM_004006.3 (MANE Select); coding-DNA position 2222, T replaced by C.
Protein change: p.Val741Ala; replaces valine 741 with alanine.
Molecular consequence: missense variant.
Genome position (GRCh38, 1-based): chrX:32,518,078, A>G on the plus strand (T>C on the coding strand, the complement: DMD is on the minus strand). VCF-style: chrX-32518078-A-G. GRCh37 (hg19) VCF-style: chrX-32536195-A-G.
Other names: c.2198T>C, p.Val733Ala (NM_000109.4); c.2210T>C, p.Val737Ala (NM_004009.3); c.1853T>C, p.Val618Ala (NM_004010.3); short protein forms V741A, V733A, V618A, V737A.
Identifiers: ClinVar variation 264364 (VCV000264364.10), dbSNP rs886039135, ClinGen allele CA10587982.

ClinVar aggregate classification (germline): Uncertain significance. Review status: criteria provided, multiple submitters, no conflicts (2 of 4 stars). 3 submissions from 3 submitters: Uncertain significance (2). 1 of the submissions does not count toward it. Last evaluated 2025-03-27.

Conditions:
Cardiovascular phenotype. Identifiers: MedGen CN230736.
Cardiomyopathy (CMYO). Also called: Cardiomyopathies. Identifiers: Orphanet 167848, MedGen C0878544, MONDO:0004994, HP:0001638. Inheritance: Various modes of inheritance.
Becker muscular dystrophy (BMD). Also called: MUSCULAR DYSTROPHY, PSEUDOHYPERTROPHIC PROGRESSIVE, BECKER TYPE; Becker Muscular Dystrophy (BMD). Identifiers: Orphanet 98895, MedGen C0917713, MONDO:0010311, OMIM 300376.
Duchenne muscular dystrophy (DMD). Also called: Duchenne Muscular Dystrophy (DMD); MUSCULAR DYSTROPHY, PSEUDOHYPERTROPHIC PROGRESSIVE, DUCHENNE TYPE. Identifiers: Orphanet 98896, MedGen C0013264, MONDO:0010679, OMIM 310200.
Dystrophin deficiency.

Allele frequency attached by ClinVar (database versions not stated): TOPMed below 0.00001.

Submissions (3):

Labcorp Genetics (formerly Invitae), Labcorp
Classification: Uncertain significance for Duchenne muscular dystrophy. Last evaluated: 2025-03-27. Review status: criteria provided, single submitter. Criteria: Invitae Variant Classification Sherloc (09022015). Collection method: clinical testing. Allele origin: germline.
Comment: This sequence change replaces valine, which is neutral and non-polar, with alanine, which is neutral and non-polar, at codon 741 of the DMD protein (p.Val741Ala). This variant is not present in population databases (gnomAD no frequency). This variant has not been reported in the literature in individuals affected with DMD-related conditions. ClinVar contains an entry for this variant (Variation ID: 264364). Invitae Evidence Modeling of protein sequence and biophysical properties (such as structural, functional, and spatial information, amino acid conservation, physicochemical variation, residue mobility, and thermodynamic stability) indicates that this missense variant is not expected to disrupt DMD protein function with a negative predictive value of 95%. In summary, the available evidence is currently insufficient to determine the role of this variant in disease. Therefore, it has been classified as a Variant of Uncertain Significance.

Ambry Genetics
Classification: Uncertain significance for Cardiovascular phenotype. Last evaluated: 2015-09-30. Review status: criteria provided, single submitter. Criteria: Ambry Variant Classification Scheme 2023. Collection method: clinical testing. Allele origin: germline.
Comment: The p.V741A variant (also known as c.2222T>C), located in coding exon 18 of the DMD gene, results from a T to C substitution at nucleotide position 2222. The valine at codon 741 is replaced by alanine, an amino acid with similar properties. This variant was not reported in population based cohorts in the following databases: Database of Single Nucleotide Polymorphisms (dbSNP), NHLBI Exome Sequencing Project (ESP), and 1000 Genomes Project. In the ESP, this variant was not observed in 6501 samples with coverage at this position. This amino acid position is well conserved in available vertebrate species. In addition, this alteration is predicted to be tolerated by in silico analysis. Since supporting evidence is limited at this time, the clinical significance of this variant remains unclear.

Natera, Inc.
Classification: Uncertain significance for Becker muscular dystrophy; Cardiomyopathy; Duchenne muscular dystrophy; Dystrophin deficiency. Last evaluated: 2018-08-09. Review status: no assertion criteria provided. Collection method: clinical testing. Allele origin: germline. Not counted in ClinVar's aggregate classification.